The following is an entry in ClinVar:

NM_001082486.2(ACD):c.754C>A (p.Pro252Thr)

Gene: ACD (ACD shelterin complex subunit and telomerase recruitment factor; minus strand). Cytogenetic location: 16q22.1.
Variant type: single nucleotide variant.
Coding change: c.754C>A on transcript NM_001082486.2 (MANE Select); coding-DNA position 754, C replaced by A.
Protein change: p.Pro252Thr; replaces proline 252 with threonine.
Molecular consequence: missense variant.
Genome position (GRCh38, 1-based): chr16:67,658,630, G>T on the plus strand (C>A on the coding strand, the complement: ACD is on the minus strand). VCF-style: chr16-67658630-G-T. GRCh37 (hg19) VCF-style: chr16-67692533-G-T.
Other names: c.745C>A, p.Pro249Thr (NM_022914.3); short protein forms P252T, P249T.
Identifiers: ClinVar variation 1733460 (VCV001733460.2), dbSNP rs778355633, ClinGen allele CA283217576.

ClinVar aggregate classification (germline): Uncertain significance (1 of 4 stars; one submission).

Conditions:
Inborn genetic diseases. Identifiers: MedGen C0950123, MeSH D030342.

Allele frequency attached by ClinVar (database versions not stated): TOPMed below 0.00001; gnomAD 0.00001.

Submission:

Ambry Genetics
Classification: Uncertain significance for Inborn genetic diseases. Last evaluated: 2024-02-11. Review status: criteria provided, single submitter. Criteria: Ambry Variant Classification Scheme 2023. Collection method: clinical testing. Allele origin: germline.
Comment: The p.P338T variant (also known as c.1012C>A), located in coding exon 9 of the ACD gene, results from a C to A substitution at nucleotide position 1012. The proline at codon 338 is replaced by threonine, an amino acid with highly similar properties. This amino acid position is conserved. In addition, this alteration is predicted to be tolerated by in silico analysis. Since supporting evidence is limited at this time, the clinical significance of this alteration remains unclear.